The following is an entry in ClinVar:

ClinVar aggregate classification (germline): Uncertain significance (1 of 4 stars; one submission).

Submission:

GeneDx
Classification: Uncertain significance. Last evaluated: 2025-08-05. Review status: criteria provided, single submitter. Criteria: GeneDx Variant Classification Process June 2021. Collection method: clinical testing. Allele origin: germline. Affected: yes.
Comment: Not observed at significant frequency in large population cohorts (gnomAD); In silico analysis supports that this missense variant has a deleterious effect on protein structure/function; Has not been previously published as pathogenic or benign to our knowledge

NM_001009999.3(KDM1A):c.587G>A (p.Gly196Asp)

Gene: KDM1A (lysine demethylase 1A; plus strand). Cytogenetic location: 1p36.12.
Variant type: single nucleotide variant.
Coding change: c.587G>A on transcript NM_001009999.3 (MANE Select); coding-DNA position 587, G replaced by A.
Protein change: p.Gly196Asp; replaces glycine 196 with aspartic acid.
Molecular consequence: missense variant.
Genome position (GRCh38, 1-based): chr1:23,050,396, G>A. VCF-style: chr1-23050396-G-A. GRCh37 (hg19) VCF-style: chr1-23376889-G-A.
Other names: c.527G>A, p.Gly176Asp (NM_001363654.2, NM_001410763.1, NM_015013.4); c.587G>A, p.Gly196Asp (NM_001410762.1); short protein forms G176D, G196D.
Identifiers: ClinVar variation 4756043 (VCV004756043.1).